The following is an entry in ClinVar:

NM_001031689.3(PLAA):c.1994del (p.Asn665fs)

Gene: PLAA (phospholipase A2 activating protein; minus strand). Cytogenetic location: 9p21.2.
Variant type: Deletion.
Coding change: c.1994del on transcript NM_001031689.3 (MANE Select); coding-DNA position 1994, one base deleted (A; older notation c.1994delA).
Protein change: p.Asn665fs; shifts the reading frame from asparagine 665.
Molecular consequence: frameshift variant.
Genome position (GRCh38, 1-based): chr9:26,905,905, T deleted on the plus strand (A on the coding strand, the reverse complement: PLAA is on the minus strand); the first of 2 consecutive T bases (chr9:26,905,905-26,905,906); deleting either gives the same sequence. VCF-style (leftmost placement, unchanged base first): chr9-26905904-AT-A. GRCh37 (hg19) VCF-style: chr9-26905902-AT-A.
Other names: c.1925del, p.Asn642fs (NM_001321546.2); short protein forms N665fs, N642fs.
Identifiers: ClinVar variation 1506926 (VCV001506926.6), dbSNP rs2131361174, ClinGen allele CA2573143677.

ClinVar aggregate classification (germline): Uncertain significance (1 of 4 stars; one submission).

Submission:

Labcorp Genetics (formerly Invitae), Labcorp
Classification: Uncertain significance. Last evaluated: 2021-09-23. Review status: criteria provided, single submitter. Criteria: Invitae Variant Classification Sherloc (09022015). Collection method: clinical testing. Allele origin: germline.
Comment: In summary, the available evidence is currently insufficient to determine the role of this variant in disease. Therefore, it has been classified as a Variant of Uncertain Significance. Experimental studies and prediction algorithms are not available or were not evaluated, and the functional significance of this variant is currently unknown. This variant has not been reported in the literature in individuals affected with PLAA-related conditions. This variant is not present in population databases (ExAC no frequency). This sequence change creates a premature translational stop signal (p.Asn665Ilefs*12) in the PLAA gene. While this is not anticipated to result in nonsense mediated decay, it is expected to disrupt the last 131 amino acid(s) of the PLAA protein.